The following is an entry in ClinVar:

NM_001379291.1(BRD4):c.2378T>C (p.Met793Thr)

Gene: BRD4 (bromodomain containing 4; minus strand). Cytogenetic location: 19p13.12.
Variant type: single nucleotide variant.
Coding change: c.2378T>C on transcript NM_001379291.1 (MANE Select); coding-DNA position 2378, T replaced by C.
Protein change: p.Met793Thr; replaces methionine 793 with threonine.
Molecular consequence: missense variant.
Genome position (GRCh38, 1-based): chr19:15,244,434, A>G on the plus strand (T>C on the coding strand, the complement: BRD4 is on the minus strand). VCF-style: chr19-15244434-A-G. GRCh37 (hg19) VCF-style: chr19-15355245-A-G.
Other names: c.2378T>C, p.Met793Thr (NM_058243.3); short protein forms M793T.
Identifiers: ClinVar variation 3699082 (VCV003699082.2).

ClinVar aggregate classification (germline): Uncertain significance (1 of 4 stars; one submission).

Submission:

Labcorp Genetics (formerly Invitae), Labcorp
Classification: Uncertain significance. Last evaluated: 2024-05-29. Review status: criteria provided, single submitter. Criteria: Invitae Variant Classification Sherloc (09022015). Collection method: clinical testing. Allele origin: germline.
Comment: This sequence change replaces methionine, which is neutral and non-polar, with threonine, which is neutral and polar, at codon 793 of the BRD4 protein (p.Met793Thr). This variant is present in population databases (rs778539688, gnomAD 0.003%). This variant has not been reported in the literature in individuals affected with BRD4-related conditions. An algorithm developed to predict the effect of missense changes on protein structure and function (PolyPhen-2) suggests that this variant is likely to be tolerated. In summary, the available evidence is currently insufficient to determine the role of this variant in disease. Therefore, it has been classified as a Variant of Uncertain Significance.